The following is an entry in ClinVar:

ClinVar aggregate classification (germline): Uncertain significance (1 of 4 stars; one submission).

Conditions:
Hypertrophic cardiomyopathy. Also called: HYPERTROPHIC MYOCARDIOPATHY. Identifiers: Orphanet 217569, MedGen C0007194, MeSH D002312, MONDO:0005045, HP:0001639.

Submission:

Labcorp Genetics (formerly Invitae), Labcorp
Classification: Uncertain significance for Hypertrophic cardiomyopathy. Last evaluated: 2023-09-24. Review status: criteria provided, single submitter. Criteria: Invitae Variant Classification Sherloc (09022015). Collection method: clinical testing. Allele origin: germline.
Comment: This variant is not present in population databases (gnomAD no frequency). This variant has not been reported in the literature in individuals affected with MYBPC3-related conditions. An algorithm developed to predict the effect of missense changes on protein structure and function (PolyPhen-2) suggests that this variant is likely to be disruptive. In summary, the available evidence is currently insufficient to determine the role of this variant in disease. Therefore, it has been classified as a Variant of Uncertain Significance. This sequence change replaces leucine, which is neutral and non-polar, with glutamine, which is neutral and polar, at codon 934 of the MYBPC3 protein (p.Leu934Gln).

NM_000256.3(MYBPC3):c.2801T>A (p.Leu934Gln)

Gene: MYBPC3 (myosin binding protein C3; minus strand). Cytogenetic location: 11p11.2.
Variant type: single nucleotide variant.
Coding change: c.2801T>A on transcript NM_000256.3 (MANE Select); coding-DNA position 2801, T replaced by A.
Protein change: p.Leu934Gln; replaces leucine 934 with glutamine.
Molecular consequence: missense variant.
Genome position (GRCh38, 1-based): chr11:47,335,146, A>T on the plus strand (T>A on the coding strand, the complement: MYBPC3 is on the minus strand). VCF-style: chr11-47335146-A-T. GRCh37 (hg19) VCF-style: chr11-47356697-A-T.
Other names: short protein forms L934Q.
Identifiers: ClinVar variation 2815844 (VCV002815844.3), dbSNP rs1165741876, ClinGen allele CA380316478.